The following is an entry in ClinVar:

NM_001868.4(CPA1):c.1232T>A (p.Met411Lys)

Gene: CPA1 (carboxypeptidase A1; plus strand). Cytogenetic location: 7q32.2.
Variant type: single nucleotide variant.
Coding change: c.1232T>A on transcript NM_001868.4 (MANE Select); coding-DNA position 1232, T replaced by A.
Protein change: p.Met411Lys; replaces methionine 411 with lysine.
Molecular consequence: missense variant.
Genome position (GRCh38, 1-based): chr7:130,387,983, T>A. VCF-style: chr7-130387983-T-A. GRCh37 (hg19) VCF-style: chr7-130027824-T-A.
Other names: short protein forms M411K.
Identifiers: ClinVar variation 1755951 (VCV001755951.2), dbSNP rs781794643, ClinGen allele CA369284599.

ClinVar aggregate classification (germline): Uncertain significance (1 of 4 stars; one submission).

Conditions:
Hereditary pancreatitis (PCTT). Also called: Hereditary chronic pancreatitis; PRSS1-Related Hereditary Pancreatitis. Identifiers: Orphanet 676, MedGen C0238339, MONDO:0008185, OMIM 167800.

Submission:

Ambry Genetics
Classification: Uncertain significance for Hereditary pancreatitis. Last evaluated: 2022-09-30. Review status: criteria provided, single submitter. Criteria: Ambry Variant Classification Scheme 2023. Collection method: clinical testing. Allele origin: germline.
Comment: The p.M411K variant (also known as c.1232T>A), located in coding exon 10 of the CPA1 gene, results from a T to A substitution at nucleotide position 1232. The methionine at codon 411 is replaced by lysine, an amino acid with similar properties. This amino acid position is conserved. In addition, the in silico prediction for this alteration is inconclusive. Since supporting evidence is limited at this time, the clinical significance of this alteration remains unclear.